The following is an entry in ClinVar:

ClinVar aggregate classification (germline): Benign. Review status: criteria provided, multiple submitters, no conflicts (2 of 4 stars). 2 submissions from 2 submitters: Benign (2). Last evaluated 2018-06-19.

Allele frequency attached by ClinVar (database versions not stated): gnomAD exomes 0.03975; gnomAD 0.12651 and 0.12783; TOPMed 0.14020; 1000 Genomes Project 30x 0.20503; 1000 Genomes Project 0.20727.
gnomAD v4.1: 50,801 of 932,014 alleles (5.5%); highest among the groups gnomAD compares: African/African-American, 35%; 6,486 homozygotes.

Submissions (2):

GeneDx
Classification: Benign. Last evaluated: 2018-06-19. Review status: criteria provided, single submitter. Criteria: GeneDx Variant Classification (06012015). Collection method: clinical testing. Allele origin: germline. Affected: yes.
Comment: This variant is considered likely benign or benign based on one or more of the following criteria: it is a conservative change, it occurs at a poorly conserved position in the protein, it is predicted to be benign by multiple in silico algorithms, and/or has population frequency not consistent with disease.

Breakthrough Genomics
Classification: Benign. Review status: criteria provided, single submitter. Criteria: ACMG Guidelines, 2015. Collection method: not provided. Allele origin: germline. Inheritance: Autosomal recessive inheritance. Affected: yes.

NM_000089.4(COL1A2):c.486+125C>T

Gene: COL1A2 (collagen type I alpha 2 chain; plus strand). Cytogenetic location: 7q21.3.
Variant type: single nucleotide variant.
Coding change: c.486+125C>T on transcript NM_000089.4 (MANE Select); 125 bases into the intron after coding-DNA position 486, C replaced by T.
Molecular consequence: intron variant.
Genome position (GRCh38, 1-based): chr7:94,405,377, C>T. VCF-style: chr7-94405377-C-T. GRCh37 (hg19) VCF-style: chr7-94034689-C-T.
Identifiers: ClinVar variation 678457 (VCV000678457.2), dbSNP rs28417792, ClinGen allele CA162915120.
Genomic context (GRCh38, chr7:94,405,377, plus strand): 5'-AGCATCAATCTAAATGACAACATAGATGTCACCCAAACTCATAACATGAATCGAAGGCAT[C>T]TAATAAAGAAAAAAGCCTAGTTAAAAAAAAATGCATATACATTTTATTCATGCAAATAAT-3'